The following is an entry in ClinVar:

ClinVar aggregate classification (germline): Uncertain significance. Review status: criteria provided, multiple submitters, no conflicts (2 of 4 stars). 2 submissions from 2 submitters: Uncertain significance (2). Last evaluated 2024-11-19.

Conditions:
Cystic fibrosis (CF). Also called: MUCOVISCIDOSIS. Identifiers: Orphanet 586, MedGen C0010674, MONDO:0009061, OMIM 219700. Disease mechanism: loss of function.

Allele frequency attached by ClinVar (database versions not stated): gnomAD 0.00001; TOPMed below 0.00001.
gnomAD v4.1: 1 of 1,613,828 alleles (0.000062%); highest among the groups gnomAD compares: Non-Finnish European, 0.000085%; no homozygotes.

Submissions (2):

Ambry Genetics
Classification: Uncertain significance for Cystic fibrosis. Last evaluated: 2024-11-19. Review status: criteria provided, single submitter. Criteria: Ambry Variant Classification Scheme 2023. Collection method: clinical testing. Allele origin: germline.
Comment: The p.G673R variant (also known as c.2017G>A), located in coding exon 14 of the CFTR gene, results from a G to A substitution at nucleotide position 2017. The glycine at codon 673 is replaced by arginine, an amino acid with dissimilar properties. This amino acid position is not well conserved in available vertebrate species. In addition, the in silico prediction for this alteration is inconclusive. Based on the available evidence, the clinical significance of this variant remains unclear.

Labcorp Genetics (formerly Invitae), Labcorp
Classification: Uncertain significance for Cystic fibrosis. Last evaluated: 2022-02-25. Review status: criteria provided, single submitter. Criteria: Invitae Variant Classification Sherloc (09022015). Collection method: clinical testing. Allele origin: germline.
Comment: This sequence change replaces glycine, which is neutral and non-polar, with arginine, which is basic and polar, at codon 673 of the CFTR protein (p.Gly673Arg). This variant is not present in population databases (gnomAD no frequency). This variant has not been reported in the literature in individuals affected with CFTR-related conditions. Algorithms developed to predict the effect of missense changes on protein structure and function are either unavailable or do not agree on the potential impact of this missense change (SIFT: "Tolerated"; PolyPhen-2: "Possibly Damaging"; Align-GVGD: "Class C0"). In summary, the available evidence is currently insufficient to determine the role of this variant in disease. Therefore, it has been classified as a Variant of Uncertain Significance.

NM_000492.4(CFTR):c.2017G>A (p.Gly673Arg)

Gene: CFTR (CF transmembrane conductance regulator; plus strand). Cytogenetic location: 7q31.2.
Variant type: single nucleotide variant.
Coding change: c.2017G>A on transcript NM_000492.4 (MANE Select); coding-DNA position 2017, G replaced by A.
Protein change: p.Gly673Arg; replaces glycine 673 with arginine.
Molecular consequence: missense variant.
Genome position (GRCh38, 1-based): chr7:117,592,184, G>A. VCF-style: chr7-117592184-G-A. GRCh37 (hg19) VCF-style: chr7-117232238-G-A.
Other names: short protein forms G673R.
Identifiers: ClinVar variation 2145470 (VCV002145470.2), dbSNP rs397508331, ClinGen allele CA368979251.